The following is an entry in ClinVar:

ClinVar aggregate classification (germline): Uncertain significance. Review status: criteria provided, multiple submitters, no conflicts (2 of 4 stars). 2 submissions from 2 submitters: Uncertain significance (2). Last evaluated 2026-08-16.

Conditions:
Inborn genetic diseases. Identifiers: MedGen C0950123, MeSH D030342.

Submissions (2):

Ambry Genetics
Classification: Uncertain significance for Inborn genetic diseases. Last evaluated: 2026-08-16. Review status: criteria provided, single submitter. Criteria: Ambry Variant Classification Scheme 2023. Collection method: clinical testing. Allele origin: germline.
Comment: The p.Y320S variant (also known as c.959A>C), located in coding exon 1 of the SAMD9L gene, results from an A to C substitution at nucleotide position 959. The tyrosine at codon 320 is replaced by serine, an amino acid with dissimilar properties. This amino acid position is conserved. In addition, this alteration is predicted to be tolerated by in silico analysis. Based on the available evidence, the clinical significance of this variant remains unclear.

Labcorp Genetics (formerly Invitae), Labcorp
Classification: Uncertain significance. Last evaluated: 2025-06-22. Review status: criteria provided, single submitter. Criteria: Invitae Variant Classification Sherloc (09022015). Collection method: clinical testing. Allele origin: germline.
Comment: This sequence change replaces tyrosine, which is neutral and polar, with serine, which is neutral and polar, at codon 320 of the SAMD9L protein (p.Tyr320Ser). This variant is not present in population databases (gnomAD no frequency). This variant has not been reported in the literature in individuals affected with SAMD9L-related conditions. An algorithm developed to predict the effect of missense changes on protein structure and function (PolyPhen-2) suggests that this variant is likely to be tolerated. In summary, the available evidence is currently insufficient to determine the role of this variant in disease. Therefore, it has been classified as a Variant of Uncertain Significance.

NM_152703.5(SAMD9L):c.959A>C (p.Tyr320Ser)

Gene: SAMD9L (sterile alpha motif domain containing 9 like; minus strand). Cytogenetic location: 7q21.2.
Variant type: single nucleotide variant.
Coding change: c.959A>C on transcript NM_152703.5 (MANE Select); coding-DNA position 959, A replaced by C.
Protein change: p.Tyr320Ser; replaces tyrosine 320 with serine.
Molecular consequence: missense variant.
Genome position (GRCh38, 1-based): chr7:93,135,013, T>G on the plus strand (A>C on the coding strand, the complement: SAMD9L is on the minus strand). VCF-style: chr7-93135013-T-G. GRCh37 (hg19) VCF-style: chr7-92764326-T-G.
Other names: c.959A>C, p.Tyr320Ser (NM_001350085.2, NM_001303496.3, NM_001303497.3 and 5 more transcripts); c.959A>C (NM_152703.2); short protein forms Y320S.
Identifiers: ClinVar variation 4721901 (VCV004721901.2).
Genomic context (GRCh38, chr7:93,135,013, plus strand): 5'-GAAAGATTTTGGTTTTGTTTCCATATTTTATCTTTACAAATTTGCATCTGAATGTAGAAA[T>G]ACTTATCATTACATATAGAGTGTTTTGGAATAGTATCAACTTCAATGACAAATCTGTCAG-3'
Protein context (NP_689916.2, residues 310-330): IPKHSICNDK[Tyr320Ser]FYIQMQICKD